The following is an entry in ClinVar:

ClinVar aggregate classification (germline): Likely pathogenic (1 of 4 stars; one submission).

Conditions:
Deficiency of ribose-5-phosphate isomerase. Also called: Ribose-5-P isomerase deficiency. Identifiers: Orphanet 440706, MedGen C1291609, MONDO:0012073, OMIM 608611.

Allele frequency attached by ClinVar (database versions not stated): gnomAD exomes 0.00001.
gnomAD v4.1: 10 of 1,594,160 alleles (0.00063%); highest among the groups gnomAD compares: Non-Finnish European, 0.00077%; no homozygotes.

Submission:

Women's Health and Genetics/Laboratory Corporation of America, LabCorp
Classification: Likely pathogenic for Deficiency of ribose-5-phosphate isomerase. Last evaluated: 2019-03-19. Review status: criteria provided, single submitter. Criteria: LabCorp Variant Classification Summary - May 2015. Collection method: clinical testing. Allele origin: germline.
Comment: Variant summary: RPIA c.253G>A (p.Ala85Thr) results in a non-conservative amino acid change in the encoded protein sequence. Five of five in-silico tools predict a damaging effect of the variant on protein function. The variant was absent in 199172 control chromosomes (gnomAD). c.253G>A has been reported in the literature in a compound heterozygote individual affected with Ribose 5-phosphate isomerase deficiency who had elevated levels of arabinitol and ribitol (Brooks_2018). No clinical diagnostic laboratories have submitted clinical-significance assessments for this variant to ClinVar after 2014. Based on the evidence outlined above, the variant was classified as likely pathogenic.

Literature cited by the submitters: PubMed 30088433.

NM_144563.3(RPIA):c.253G>A (p.Ala85Thr)

Gene: RPIA (ribose 5-phosphate isomerase A; plus strand). Cytogenetic location: 2p11.2.
Variant type: single nucleotide variant.
Coding change: c.253G>A on transcript NM_144563.3 (MANE Select); coding-DNA position 253, G replaced by A.
Protein change: p.Ala85Thr; replaces alanine 85 with threonine.
Molecular consequence: missense variant.
Genome position (GRCh38, 1-based): chr2:88,691,951, G>A. VCF-style: chr2-88691951-G-A. GRCh37 (hg19) VCF-style: chr2-88991469-G-A.
Other names: short protein forms A85T.
Identifiers: ClinVar variation 928792 (VCV000928792.1), dbSNP rs1399404493, ClinGen allele CA347764557.